The following is an entry in ClinVar:

ClinVar aggregate classification (germline): Pathogenic (1 of 4 stars; one submission).

Conditions:
Cardiovascular phenotype. Identifiers: MedGen CN230736.

gnomAD v4.1: 2 of 1,549,388 alleles (0.00013%); highest among the groups gnomAD compares: East Asian, 0.0024%; no homozygotes.

Submission:

Ambry Genetics
Classification: Pathogenic for Cardiovascular phenotype. Last evaluated: 2026-06-09. Review status: criteria provided, single submitter. Criteria: Ambry Variant Classification Scheme 2023. Collection method: clinical testing. Allele origin: germline.
Comment: The p.R2048* pathogenic mutation (also known as c.6142C>T), located in coding exon 2 of the ZNF469 gene, results from a C to T substitution at nucleotide position 6142. This changes the amino acid from an arginine to a stop codon within coding exon 2. This variant occurs at the 3' terminus of the gene, is not expected to trigger nonsense-mediated mRNA decay, and impacts the last 48% of the protein. However, premature stop codons are typically deleterious in nature and the impacted region is critical for protein function (Ambry internal data). This variant is considered to be rare based on population cohorts in the Genome Aggregation Database (gnomAD). Based on the supporting evidence, this variant is interpreted as a disease-causing mutation.

NM_001367624.2(ZNF469):c.6226C>T (p.Arg2076Ter)

Gene: ZNF469 (zinc finger protein 469; plus strand). Cytogenetic location: 16q24.2.
Variant type: single nucleotide variant.
Coding change: c.6226C>T on transcript NM_001367624.2 (MANE Select); coding-DNA position 6226, C replaced by T.
Protein change: p.Arg2076Ter; replaces arginine 2076 with a stop codon.
Molecular consequence: nonsense.
Genome position (GRCh38, 1-based): chr16:88,433,696, C>T. VCF-style: chr16-88433696-C-T. GRCh37 (hg19) VCF-style: chr16-88500104-C-T.
Other names: NM_001127464.1:c.6142C>T; short protein forms R2076*.
Identifiers: ClinVar variation 4867028 (VCV004867028.1).